The following is an entry in ClinVar:

ClinVar aggregate classification (germline): Pathogenic (1 of 4 stars; one submission).

Conditions:
Pontocerebellar hypoplasia type 1A (PCH1A). Also called: PONTOCEREBELLAR HYPOPLASIA WITH ANTERIOR HORN CELL DISEASE; PONTOCEREBELLAR HYPOPLASIA WITH INFANTILE SPINAL MUSCULAR ATROPHY. Identifiers: Orphanet 2254, Orphanet 88616, MedGen C1843504, MONDO:0011866, OMIM 607596.

Submission:

Labcorp Genetics (formerly Invitae), Labcorp
Classification: Pathogenic for Pontocerebellar hypoplasia type 1A. Last evaluated: 2022-03-10. Review status: criteria provided, single submitter. Criteria: Invitae Variant Classification Sherloc (09022015). Collection method: clinical testing. Allele origin: germline.
Comment: For these reasons, this variant has been classified as Pathogenic. This variant has not been reported in the literature in individuals affected with VRK1-related conditions. This variant is not present in population databases (gnomAD no frequency). This sequence change creates a premature translational stop signal (p.Ala54Hisfs*5) in the VRK1 gene. It is expected to result in an absent or disrupted protein product. Loss-of-function variants in VRK1 are known to be pathogenic (PMID: 19646678, 24126608, 27281532).

Literature cited by the submitters: PubMed 19646678; PubMed 24126608; PubMed 27281532.

NM_003384.3(VRK1):c.159_160insCATATATCTT (p.Ala54fs)

Gene: VRK1 (VRK serine/threonine kinase 1; plus strand). Cytogenetic location: 14q32.2.
Variant type: Microsatellite.
Coding change: c.159_160insCATATATCTT on transcript NM_003384.3 (MANE Select); coding-DNA positions 159 to 160, CATATATCTT inserted.
Protein change: p.Ala54fs; shifts the reading frame from alanine 54.
Molecular consequence: frameshift variant. On other transcripts: inframe indel (2).
Genome position: GRCh38 VCF-style: chr14-96833621-T-TATATATCTTC. GRCh37 (hg19) VCF-style: chr14-97299958-T-TATATATCTTC.
Other names: c.151_159AT[3][1], p.Leu53del (NM_001411051.1, NM_001411053.1); short protein forms L53del, A54fs.
Identifiers: ClinVar variation 2108163 (VCV002108163.4), dbSNP rs2504130934.